The following is an entry in ClinVar:

NM_152542.5(PPM1K):c.988-7C>G

Gene: PPM1K (protein phosphatase, Mg2+/Mn2+ dependent 1K; minus strand). Cytogenetic location: 4q22.1.
Variant type: single nucleotide variant.
Coding change: c.988-7C>G on transcript NM_152542.5 (MANE Select); 7 bases into the intron before coding-DNA position 988, C replaced by G.
Molecular consequence: intron variant.
Genome position (GRCh38, 1-based): chr4:88,262,733, G>C on the plus strand (C>G on the coding strand, the complement: PPM1K is on the minus strand). VCF-style: chr4-88262733-G-C. GRCh37 (hg19) VCF-style: chr4-89183885-G-C.
Identifiers: ClinVar variation 664284 (VCV000664284.1), dbSNP rs1335866068, ClinGen allele CA553077003.

ClinVar aggregate classification (germline): Uncertain significance (1 of 4 stars; one submission).

Conditions:
Maple syrup urine disease, mild variant (MSUDMV). Identifiers: Orphanet 511, MedGen C3554575, MONDO:0014057, OMIM 615135.

Allele frequency attached by ClinVar (database versions not stated): gnomAD exomes 0.00001.
gnomAD v4.1: 5 of 1,589,100 alleles (0.00031%); highest among the groups gnomAD compares: South Asian, 0.0058%; no homozygotes.

Submission:

Labcorp Genetics (formerly Invitae), Labcorp
Classification: Uncertain significance for Maple syrup urine disease, mild variant. Last evaluated: 2018-11-12. Review status: criteria provided, single submitter. Criteria: Invitae Variant Classification Sherloc (09022015). Collection method: clinical testing. Allele origin: germline.
Comment: This sequence change falls in intron 6 of the PPM1K gene. It does not directly change the encoded amino acid sequence of the PPM1K protein. This variant is not present in population databases (ExAC no frequency). This variant has not been reported in the literature in individuals with PPM1K-related disease. Algorithms developed to predict the effect of sequence changes on RNA splicing suggest that this variant may disrupt the consensus splice site, but this prediction has not been confirmed by published transcriptional studies. In summary, the available evidence is currently insufficient to determine the role of this variant in disease. Therefore, it has been classified as a Variant of Uncertain Significance.